The following is an entry in ClinVar:

ClinVar aggregate classification (germline): Uncertain significance (1 of 4 stars; one submission).

Conditions:
Neuromuscular disease caused by qualitative or quantitative defects of dysferlin. Also called: Dysferlinopathy; Qualitative or quantitative defects of dysferlin. Identifiers: Orphanet 207073, MedGen C2931687, MONDO:0016145.

Allele frequency attached by ClinVar (database versions not stated): gnomAD exomes below 0.00001.
gnomAD v4.1: 1 of 1,608,008 alleles (0.000062%); highest among the groups gnomAD compares: Middle Eastern, 0.017%; no homozygotes.

Submission:

Labcorp Genetics (formerly Invitae), Labcorp
Classification: Uncertain significance for Neuromuscular disease caused by qualitative or quantitative defects of dysferlin. Last evaluated: 2020-09-15. Review status: criteria provided, single submitter. Criteria: Invitae Variant Classification Sherloc (09022015). Collection method: clinical testing. Allele origin: germline.
Comment: This sequence change replaces asparagine with tyrosine at codon 1819 of the DYSF protein (p.Asn1819Tyr). The asparagine residue is highly conserved and there is a large physicochemical difference between asparagine and tyrosine. This variant is not present in population databases (ExAC no frequency). This variant has not been reported in the literature in individuals with DYSF-related conditions. Advanced modeling of protein sequence and biophysical properties (such as structural, functional, and spatial information, amino acid conservation, physicochemical variation, residue mobility, and thermodynamic stability) performed at Invitae indicates that this missense variant is expected to disrupt DYSF protein function. Algorithms developed to predict the effect of sequence changes on RNA splicing suggest that this variant may create or strengthen a splice site, but this prediction has not been confirmed by published transcriptional studies. In summary, the available evidence is currently insufficient to determine the role of this variant in disease. Therefore, it has been classified as a Variant of Uncertain Significance.

NM_001130987.2(DYSF):c.5572A>T (p.Asn1858Tyr)

Gene: DYSF (dysferlin; plus strand). Cytogenetic location: 2p13.2.
Variant type: single nucleotide variant.
Coding change: c.5572A>T on transcript NM_001130987.2 (MANE Select); coding-DNA position 5572, A replaced by T.
Protein change: p.Asn1858Tyr; replaces asparagine 1858 with tyrosine.
Molecular consequence: missense variant.
Genome position (GRCh38, 1-based): chr2:71,669,137, A>T. VCF-style: chr2-71669137-A-T. GRCh37 (hg19) VCF-style: chr2-71896267-A-T.
Other names: c.5458A>T, p.Asn1820Tyr (NM_001130455.2); c.5413A>T, p.Asn1805Tyr (NM_001130976.2); c.5476A>T, p.Asn1826Tyr (NM_001130977.2); c.5518A>T, p.Asn1840Tyr (NM_001130978.2); c.5548A>T, p.Asn1850Tyr (NM_001130979.2); c.5506A>T, p.Asn1836Tyr (NM_001130980.2); c.5569A>T, p.Asn1857Tyr (NM_001130981.2); c.5551A>T, p.Asn1851Tyr (NM_001130982.2); and 5 more; short protein forms N1806Y, N1820Y, N1836Y, N1851Y, N1857Y, N1805Y, N1826Y, N1858Y.
Identifiers: ClinVar variation 2196125 (VCV002196125.1), dbSNP rs2546575201, ClinGen allele CA347222747.